The following is an entry in ClinVar:

ClinVar aggregate classification (germline): Benign (0 of 4 stars; one submission).

Conditions:
DMXL1-related disorder. Also called: DMXL1-related condition.

Allele frequency attached by ClinVar (database versions not stated): gnomAD exomes 0.00692; ExAC 0.01833; ESP Exome Variant Server 0.02945; TOPMed 0.03690; 1000 Genomes Project 30x 0.04622; 1000 Genomes Project 0.04732.
gnomAD v4.1: 15,582 of 1,614,088 alleles (0.97%); highest among the groups gnomAD compares: African/African-American, 9.1%; 572 homozygotes.

Submission:

PreventionGenetics, part of Exact Sciences
Classification: Benign for DMXL1-related condition. Last evaluated: 2019-08-13. Review status: no assertion criteria provided. Collection method: clinical testing. Allele origin: germline.
Comment: This variant is classified as benign based on ACMG/AMP sequence variant interpretation guidelines (Richards et al. 2015 PMID: 25741868, with internal and published modifications).

NM_001290321.3(DMXL1):c.9012G>C (p.Val3004=)

Gene: DMXL1 (Dmx like 1; plus strand). Cytogenetic location: 5q23.1.
Variant type: single nucleotide variant.
Coding change: c.9012G>C on transcript NM_001290321.3 (MANE Select); coding-DNA position 9012, G replaced by C.
Protein change: p.Val3004=; no amino-acid change (valine 3004 retained).
Molecular consequence: synonymous variant. On other transcripts: non-coding transcript variant (3).
Genome position (GRCh38, 1-based): chr5:119,247,084, G>C. VCF-style: chr5-119247084-G-C. GRCh37 (hg19) VCF-style: chr5-118582779-G-C.
Other names: c.9012G>C, p.Val3004= (NM_001349239.2); c.8949G>C, p.Val2983= (NM_001349240.2, NM_001387933.1, NM_005509.6); c.8757G>C, p.Val2919= (NM_001387934.1); c.8244G>C, p.Val2748= (NM_001387937.1); c.8025G>C, p.Val2675= (NM_001387938.1).
Identifiers: ClinVar variation 3058895 (VCV003058895.2), dbSNP rs2174433, ClinGen allele CA3381364.